The following is an entry in ClinVar:

NM_000535.7(PMS2):c.2435G>T (p.Cys812Phe)

Gene: PMS2 (PMS1 homolog 2, mismatch repair system component; minus strand). Cytogenetic location: 7p22.1.
Variant type: single nucleotide variant.
Coding change: c.2435G>T on transcript NM_000535.7 (MANE Select); coding-DNA position 2435, G replaced by T.
Protein change: p.Cys812Phe; replaces cysteine 812 with phenylalanine.
Molecular consequence: missense variant. On other transcripts: non-coding transcript variant (1).
Genome position (GRCh38, 1-based): chr7:5,977,598, C>A on the plus strand (G>T on the coding strand, the complement: PMS2 is on the minus strand). VCF-style: chr7-5977598-C-A. GRCh37 (hg19) VCF-style: chr7-6017229-C-A.
Other names: c.2030G>T, p.Cys677Phe (NM_001322003.2, NM_001322004.2, NM_001322005.2); c.2279G>T, p.Cys760Phe (NM_001322006.2); c.2117G>T, p.Cys706Phe (NM_001322007.2, NM_001322008.2); c.2063G>T, p.Cys688Phe (NM_001322009.2); c.1874G>T, p.Cys625Phe (NM_001322010.2); c.1502G>T, p.Cys501Phe (NM_001322011.2, NM_001322012.2); c.1862G>T, p.Cys621Phe (NM_001322013.2); c.2468G>T, p.Cys823Phe (NM_001322014.2); and 1 more; short protein forms C812F, C501F, C621F, C625F, C760F, C706F, C677F, C823F.
Identifiers: ClinVar variation 234608 (VCV000234608.17), dbSNP rs876661116, ClinGen allele CA10577336.

ClinVar aggregate classification (germline): Uncertain significance. Review status: criteria provided, multiple submitters, no conflicts (2 of 4 stars). 5 submissions from 5 submitters: Uncertain significance (5). Last evaluated 2024-12-24.

Conditions:
Lynch syndrome 4 (LYNCH4). Also called: Colorectal cancer, hereditary nonpolyposis, type 4; Hereditary non-polyposis colorectal cancer, type 4. Identifiers: Orphanet 144, MedGen C1838333, MONDO:0013699, OMIM 614337. Disease mechanism: loss of function.
Mismatch repair cancer syndrome 4. Identifiers: MedGen C5436817, MONDO:0030843, OMIM 619101.
Hereditary nonpolyposis colorectal neoplasms. Identifiers: MedGen C0009405, MeSH D003123.
Hereditary cancer-predisposing syndrome. Also called: Hereditary neoplastic syndrome; Hereditary Cancer Syndrome; Neoplastic Syndromes, Hereditary; Tumor predisposition. Identifiers: Orphanet 140162, MedGen C0027672, MeSH D009386, MONDO:0015356.

Allele frequency attached by ClinVar (database versions not stated): TOPMed 0.00001.

Submissions (5):

Labcorp Genetics (formerly Invitae), Labcorp
Classification: Uncertain significance for Hereditary nonpolyposis colorectal neoplasms. Last evaluated: 2024-12-24. Review status: criteria provided, single submitter. Criteria: Invitae Variant Classification Sherloc (09022015). Collection method: clinical testing. Allele origin: germline.
Comment: This sequence change replaces cysteine, which is neutral and slightly polar, with phenylalanine, which is neutral and non-polar, at codon 812 of the PMS2 protein (p.Cys812Phe). The frequency data for this variant in the population databases (gnomAD) is considered unreliable due to the presence of homologous sequence, such as pseudogenes or paralogs, in the genome. This missense change has been observed in individuals with clinical features of Lynch syndrome (internal data). ClinVar contains an entry for this variant (Variation ID: 234608). Invitae Evidence Modeling incorporating data from in vitro experimental studies (internal data) indicates that this missense variant is expected to disrupt PMS2 function with a positive predictive value of 95%. In summary, the available evidence is currently insufficient to determine the role of this variant in disease. Therefore, it has been classified as a Variant of Uncertain Significance.

Ambry Genetics
Classification: Uncertain significance for Hereditary cancer-predisposing syndrome. Last evaluated: 2024-08-22. Review status: criteria provided, single submitter. Criteria: Ambry Variant Classification Scheme 2023. Collection method: clinical testing. Allele origin: germline.
Comment: The p.C812F variant (also known as c.2435G>T), located in coding exon 14 of the PMS2 gene, results from a G to T substitution at nucleotide position 2435. The cysteine at codon 812 is replaced by phenylalanine, an amino acid with highly dissimilar properties. This amino acid position is highly conserved in available vertebrate species. In addition, this alteration is predicted to be deleterious by in silico analysis. Based on the available evidence, the clinical significance of this variant remains unclear.

Fulgent Genetics
Classification: Uncertain significance for Lynch syndrome 4; Mismatch repair cancer syndrome 4. Last evaluated: 2024-03-26. Review status: criteria provided, single submitter. Criteria: ACMG Guidelines, 2015. Collection method: clinical testing. Allele origin: germline.

Baylor Genetics
Classification: Uncertain significance for Lynch syndrome 4. Last evaluated: 2024-01-25. Review status: criteria provided, single submitter. Criteria: ACMG Guidelines, 2015. Collection method: clinical testing. Allele origin: unknown.

GeneDx
Classification: Uncertain significance. Last evaluated: 2022-08-31. Review status: criteria provided, single submitter. Criteria: GeneDx Variant Classification Process June 2021. Collection method: clinical testing. Allele origin: germline. Affected: yes.
Comment: Not observed at significant frequency in large population cohorts (gnomAD); In silico analysis supports that this missense variant has a deleterious effect on protein structure/function; Has not been previously published as pathogenic or benign to our knowledge; This variant is associated with the following publications: (PMID: 18619468, Fukui2011[Chapter])